The following is an entry in ClinVar:

ClinVar aggregate classification (germline): Uncertain significance. Review status: criteria provided, multiple submitters, no conflicts (2 of 4 stars). 2 submissions from 2 submitters: Uncertain significance (2). Last evaluated 2022-08-30.

Allele frequency attached by ClinVar (database versions not stated): TOPMed 0.00002; gnomAD exomes 0.00004; ExAC 0.00005.
gnomAD v4.1: 19 of 1,612,654 alleles (0.0012%); highest among the groups gnomAD compares: East Asian, 0.016%; no homozygotes.

Submissions (2):

Blueprint Genetics
Classification: Uncertain significance. Last evaluated: 2022-08-30. Review status: criteria provided, single submitter. Criteria: ACMG Guidelines, 2015. Collection method: clinical testing. Allele origin: germline.

Labcorp Genetics (formerly Invitae), Labcorp
Classification: Uncertain significance. Last evaluated: 2022-01-07. Review status: criteria provided, single submitter. Criteria: Invitae Variant Classification Sherloc (09022015). Collection method: clinical testing. Allele origin: germline.
Comment: This sequence change replaces glycine, which is neutral and non-polar, with arginine, which is basic and polar, at codon 175 of the KCNV2 protein (p.Gly175Arg). This variant is present in population databases (rs766187569, gnomAD 0.03%). This variant has not been reported in the literature in individuals affected with KCNV2-related conditions. ClinVar contains an entry for this variant (Variation ID: 955401). Advanced modeling of protein sequence and biophysical properties (such as structural, functional, and spatial information, amino acid conservation, physicochemical variation, residue mobility, and thermodynamic stability) performed at Invitae indicates that this missense variant is not expected to disrupt KCNV2 protein function. Algorithms developed to predict the effect of sequence changes on RNA splicing suggest that this variant may create or strengthen a splice site. In summary, the available evidence is currently insufficient to determine the role of this variant in disease. Therefore, it has been classified as a Variant of Uncertain Significance.

NM_133497.4(KCNV2):c.523G>A (p.Gly175Arg)

Gene: KCNV2 (potassium voltage-gated channel modifier subfamily V member 2; plus strand). Cytogenetic location: 9p24.2.
Variant type: single nucleotide variant.
Coding change: c.523G>A on transcript NM_133497.4 (MANE Select); coding-DNA position 523, G replaced by A.
Protein change: p.Gly175Arg; replaces glycine 175 with arginine.
Molecular consequence: missense variant.
Genome position (GRCh38, 1-based): chr9:2,718,262, G>A. VCF-style: chr9-2718262-G-A. GRCh37 (hg19) VCF-style: chr9-2718262-G-A.
Other names: short protein forms G175R.
Identifiers: ClinVar variation 955401 (VCV000955401.8), dbSNP rs766187569, ClinGen allele CA4965487.
Genomic context (GRCh38, chr9:2,718,262, plus strand): 5'-CCGGCCGTCTTCCAGCTGGTCTACAATTTCTACCTGTCCGGGGTGCTGCTGGTGCTCGAC[G>A]GGCTGTGTCCGCGCCGCTTCCTGGAGGAGCTGGGCTACTGGGGCGTGCGGCTCAAGTACA-3'
Protein context (NP_598004.1, residues 165-185): YLSGVLLVLD[Gly175Arg]LCPRRFLEEL